The following is an entry in ClinVar:

NM_000465.4(BARD1):c.1709T>C (p.Leu570Pro)

Gene: BARD1 (BRCA1 associated RING domain 1; minus strand). Cytogenetic location: 2q35.
Variant type: single nucleotide variant.
Coding change: c.1709T>C on transcript NM_000465.4 (MANE Select); coding-DNA position 1709, T replaced by C.
Protein change: p.Leu570Pro; replaces leucine 570 with proline.
Molecular consequence: missense variant. On other transcripts: non-coding transcript variant (3), intron variant (1).
Genome position (GRCh38, 1-based): chr2:214,745,823, A>G on the plus strand (T>C on the coding strand, the complement: BARD1 is on the minus strand). VCF-style: chr2-214745823-A-G. GRCh37 (hg19) VCF-style: chr2-215610547-A-G.
Other names: c.1652T>C, p.Leu551Pro (NM_001282543.2); c.356T>C, p.Leu119Pro (NM_001282545.2); c.299T>C, p.Leu100Pro (NM_001282548.2); c.365-15315T>C (NM_001282549.2); short protein forms L570P, L119P, L100P, L551P.
Identifiers: ClinVar variation 2752976 (VCV002752976.3), dbSNP rs2469343289, ClinGen allele CA350453208.

ClinVar aggregate classification (germline): Uncertain significance (1 of 4 stars; one submission).

Conditions:
Familial cancer of breast. Also called: BREAST CANCER, FAMILIAL; hereditary breast carcinoma; Hereditary breast cancer. Identifiers: Orphanet 227535, MedGen C0346153, MONDO:0016419, OMIM 114480. Disease mechanism: loss of function.

Submission:

Labcorp Genetics (formerly Invitae), Labcorp
Classification: Uncertain significance for Familial cancer of breast. Last evaluated: 2023-08-16. Review status: criteria provided, single submitter. Criteria: Invitae Variant Classification Sherloc (09022015). Collection method: clinical testing. Allele origin: germline.
Comment: This sequence change replaces leucine, which is neutral and non-polar, with proline, which is neutral and non-polar, at codon 570 of the BARD1 protein (p.Leu570Pro). In summary, the available evidence is currently insufficient to determine the role of this variant in disease. Therefore, it has been classified as a Variant of Uncertain Significance. This variant is not present in population databases (gnomAD no frequency). This variant has not been reported in the literature in individuals affected with BARD1-related conditions. An algorithm developed to predict the effect of missense changes on protein structure and function (PolyPhen-2) suggests that this variant is likely to be tolerated.